The following is an entry in ClinVar:

NM_006118.4(HAX1):c.229G>C (p.Asp77His)

Gene: HAX1 (HCLS1 associated protein X-1; plus strand). Cytogenetic location: 1q21.3.
Variant type: single nucleotide variant.
Coding change: c.229G>C on transcript NM_006118.4 (MANE Select); coding-DNA position 229, G replaced by C.
Protein change: p.Asp77His; replaces aspartic acid 77 with histidine.
Molecular consequence: missense variant.
Genome position (GRCh38, 1-based): chr1:154,273,511, G>C. VCF-style: chr1-154273511-G-C. GRCh37 (hg19) VCF-style: chr1-154245987-G-C.
Other names: c.85G>C, p.Asp29His (NM_001018837.2); short protein forms D29H, D77H.
Identifiers: ClinVar variation 4858290 (VCV004858290.1).
Genomic context (GRCh38, chr1:154,273,511, plus strand): 5'-CCCCCTGAGGAATTTGGCTTCGGCTTCAGCTTCAGCCCAGGAGGAGGGATACGTTTCCAC[G>C]ATAACTTCGGCTTTGATGACCTAGTACGAGATTTCAATAGCATCTTCAGCGATATGGGGG-3'
Protein context (NP_006109.2, residues 67-87): FSPGGGIRFH[Asp77His]NFGFDDLVRD

ClinVar aggregate classification (germline): Uncertain significance (1 of 4 stars; one submission).

Conditions:
Inborn genetic diseases. Identifiers: MedGen C0950123, MeSH D030342.

Submission:

Ambry Genetics
Classification: Uncertain significance for Inborn genetic diseases. Last evaluated: 2026-06-09. Review status: criteria provided, single submitter. Criteria: Ambry Variant Classification Scheme 2023. Collection method: clinical testing. Allele origin: germline.
Comment: The p.D77H variant (also known as c.229G>C), located in coding exon 2 of the HAX1 gene, results from a G to C substitution at nucleotide position 229. The aspartic acid at codon 77 is replaced by histidine, an amino acid with similar properties. This amino acid position is conserved. In addition, this alteration is predicted to be tolerated by in silico analysis. Based on the available evidence, the clinical significance of this variant remains unclear.